The following is an entry in ClinVar:

NM_000466.3(PEX1):c.466C>T (p.Gln156Ter)

Gene: PEX1 (peroxisomal biogenesis factor 1; minus strand). Cytogenetic location: 7q21.2.
Variant type: single nucleotide variant.
Coding change: c.466C>T on transcript NM_000466.3 (MANE Select); coding-DNA position 466, C replaced by T.
Protein change: p.Gln156Ter; replaces glutamine 156 with a stop codon.
Molecular consequence: nonsense. On other transcripts: 5 prime UTR variant (1).
Genome position (GRCh38, 1-based): chr7:92,518,147, G>A on the plus strand (C>T on the coding strand, the complement: PEX1 is on the minus strand). VCF-style: chr7-92518147-G-A. GRCh37 (hg19) VCF-style: chr7-92147461-G-A.
Other names: c.466C>T, p.Gln156Ter (NM_001282677.2); c.-159C>T (NM_001282678.2); short protein forms Q156*.
Identifiers: ClinVar variation 4818412 (VCV004818412.2).

ClinVar aggregate classification (germline): Pathogenic/Likely pathogenic. Review status: criteria provided, multiple submitters, no conflicts (2 of 4 stars). 2 submissions from 2 submitters: Pathogenic (1); Likely pathogenic (1). Last evaluated 2026-06-22.

Conditions:
PEX1-related disorder. Also called: PEX1-related condition.
Zellweger spectrum disorders (ZS). Also called: Zellweger Spectrum Disorder; Zellweger Spectrum; Zellweger Spectrum Disorder (ZSD); Zellweger syndrome. Identifiers: Orphanet 912, MedGen C0043459, MONDO:0019609.

Submissions (2):

PreventionGenetics, part of Exact Sciences
Classification: Pathogenic for PEX1-related condition. Last evaluated: 2026-06-22. Review status: criteria provided, single submitter. Criteria: ACMG Guidelines, 2015. Collection method: clinical testing. Allele origin: germline.
Comment: The PEX1 c.466C>T variant is predicted to result in premature protein termination (p.Gln156*). To our knowledge, this variant has not been reported in the literature. This variant is reported in 0.0062% of alleles in individuals of African descent in gnomAD. Nonsense variants in PEX1 are expected to be pathogenic. This variant is interpreted as pathogenic.

Natera, Inc.
Classification: Likely pathogenic for Zellweger syndrome. Last evaluated: 2024-04-16. Review status: criteria provided, single submitter. Criteria: Natera Variant Classification Schema (03/2026). Collection method: clinical testing. Allele origin: germline.
Comment: The c.466C>T variant in PEX1 is a nonsense variant predicted to introduce a stop codon at amino acid 156. This variant is expected to result in nonsense mediated decay, truncation, or a dysfunctional protein product. This variant is rare in the general population with a frequency below the threshold expected for the associated phenotype(s). Given the available evidence, this variant is classified as Likely Pathogenic.